The following is an entry in ClinVar:

ClinVar aggregate classification (germline): Uncertain significance (1 of 4 stars; one submission).

Allele frequency attached by ClinVar (database versions not stated): ExAC 0.00014; gnomAD exomes 0.00015; TOPMed 0.00015; gnomAD 0.00018 and 0.00019; ESP Exome Variant Server 0.00031.
gnomAD v4.1: 429 of 1,614,084 alleles (0.027%); highest among the groups gnomAD compares: Non-Finnish European, 0.034%; no homozygotes.

Submission:

Labcorp Genetics (formerly Invitae), Labcorp
Classification: Uncertain significance. Last evaluated: 2022-08-01. Review status: criteria provided, single submitter. Criteria: Invitae Variant Classification Sherloc (09022015). Collection method: clinical testing. Allele origin: germline.
Comment: This sequence change replaces threonine, which is neutral and polar, with methionine, which is neutral and non-polar, at codon 143 of the CIB1 protein (p.Thr143Met). This variant is present in population databases (rs147405990, gnomAD 0.03%). This variant has not been reported in the literature in individuals affected with CIB1-related conditions. ClinVar contains an entry for this variant (Variation ID: 1447418). Algorithms developed to predict the effect of missense changes on protein structure and function are either unavailable or do not agree on the potential impact of this missense change (SIFT: "Deleterious"; PolyPhen-2: "Not Available"; Align-GVGD: "Class C15"). In summary, the available evidence is currently insufficient to determine the role of this variant in disease. Therefore, it has been classified as a Variant of Uncertain Significance.

NM_006384.4(CIB1):c.308C>T (p.Thr103Met)

Gene: CIB1 (calcium and integrin binding 1; minus strand). Cytogenetic location: 15q26.1.
Variant type: single nucleotide variant.
Coding change: c.308C>T on transcript NM_006384.4 (MANE Select); coding-DNA position 308, C replaced by T.
Protein change: p.Thr103Met; replaces threonine 103 with methionine.
Molecular consequence: missense variant. On other transcripts: non-coding transcript variant (2).
Genome position (GRCh38, 1-based): chr15:90,231,395, G>A on the plus strand (C>T on the coding strand, the complement: CIB1 is on the minus strand). VCF-style: chr15-90231395-G-A. GRCh37 (hg19) VCF-style: chr15-90774627-G-A.
Other names: c.428C>T, p.Thr143Met (NM_001277764.2); short protein forms T143M, T103M.
Identifiers: ClinVar variation 1447418 (VCV001447418.3), dbSNP rs147405990, ClinGen allele CA7734244.
Genomic context (GRCh38, chr15:90,231,395, plus strand): 5'-CCGGGCTGCTCCTGGTTCTCACCAAAGATGCGGAAGGCATAATGGGACTTGATGTCTGGC[G>A]TGGCTGTGTCACTGAACACACTGAGGAGATCCAGGAAGTCCTCAAAGCTAAGGCTGTCTT-3'
Protein context (NP_006375.2, residues 93-113): DLLSVFSDTA[Thr103Met]PDIKSHYAFR